The following is an entry in ClinVar:

ClinVar aggregate classification (germline): Uncertain significance. Review status: criteria provided, multiple submitters, no conflicts (2 of 4 stars). 2 submissions from 2 submitters: Uncertain significance (2). Last evaluated 2025-07-01.

Conditions:
Idiopathic Pulmonary Fibrosis. Also called: Idiopathic fibrosing alveolitis, chronic form; idiopathic fibrosing alveolitis. Identifiers: Orphanet 2032, MedGen C1800706, MeSH D054990, MONDO:0800504.
Dyskeratosis congenita, autosomal dominant 2. Identifiers: MedGen C3151443, MONDO:0013521, OMIM 613989.
Dyskeratosis congenita. Identifiers: Orphanet 1775, MedGen C0265965, MONDO:0015780.

Submissions (2):

Ambry Genetics
Classification: Uncertain significance for Dyskeratosis congenita. Last evaluated: 2025-07-01. Review status: criteria provided, single submitter. Criteria: Ambry Variant Classification Scheme 2023. Collection method: clinical testing. Allele origin: germline.
Comment: The p.C528Y variant (also known as c.1583G>A), located in coding exon 3 of the TERT gene, results from a G to A substitution at nucleotide position 1583. The cysteine at codon 528 is replaced by tyrosine, an amino acid with highly dissimilar properties. This amino acid position is conserved. In addition, this alteration is predicted to be tolerated by in silico analysis. Based on the available evidence, the clinical significance of this variant remains unclear.

Labcorp Genetics (formerly Invitae), Labcorp
Classification: Uncertain significance for Dyskeratosis congenita, autosomal dominant 2; Idiopathic Pulmonary Fibrosis. Last evaluated: 2020-08-22. Review status: criteria provided, single submitter. Criteria: Invitae Variant Classification Sherloc (09022015). Collection method: clinical testing. Allele origin: germline.
Comment: This variant is not present in population databases (ExAC no frequency). This sequence change replaces cysteine with tyrosine at codon 528 of the TERT protein (p.Cys528Tyr). The cysteine residue is weakly conserved and there is a large physicochemical difference between cysteine and tyrosine. This variant has not been reported in the literature in individuals with TERT-related conditions. Advanced modeling of protein sequence and biophysical properties (such as structural, functional, and spatial information, amino acid conservation, physicochemical variation, residue mobility, and thermodynamic stability) performed at Invitae indicates that this missense variant is not expected to disrupt TERT protein function. In summary, the available evidence is currently insufficient to determine the role of this variant in disease. Therefore, it has been classified as a Variant of Uncertain Significance.

NM_198253.3(TERT):c.1583G>A (p.Cys528Tyr)

Gene: TERT (telomerase reverse transcriptase; minus strand). Cytogenetic location: 5p15.33.
Variant type: single nucleotide variant.
Coding change: c.1583G>A on transcript NM_198253.3 (MANE Select); coding-DNA position 1583, G replaced by A.
Protein change: p.Cys528Tyr; replaces cysteine 528 with tyrosine.
Molecular consequence: missense variant. On other transcripts: non-coding transcript variant (2).
Genome position (GRCh38, 1-based): chr5:1,282,615, C>T on the plus strand (G>A on the coding strand, the complement: TERT is on the minus strand). VCF-style: chr5-1282615-C-T. GRCh37 (hg19) VCF-style: chr5-1282730-C-T.
Other names: c.1583G>A (NM_198253.2); c.1583G>A, p.Cys528Tyr (NM_001193376.3); short protein forms C528Y.
Identifiers: ClinVar variation 1000817 (VCV001000817.10), dbSNP rs1750105041, ClinGen allele CA359083596.